The following is an entry in ClinVar:

NM_000350.3(ABCA4):c.2T>C (p.Met1Thr)

Gene: ABCA4 (ATP binding cassette subfamily A member 4; minus strand). Cytogenetic location: 1p22.1.
Variant type: single nucleotide variant.
Coding change: c.2T>C on transcript NM_000350.3 (MANE Select); coding-DNA position 2, T replaced by C.
Protein change: p.Met1Thr; changes the start codon (methionine 1).
Molecular consequence: missense variant, initiator codon variant.
Genome position (GRCh38, 1-based): chr1:94,121,044, A>G on the plus strand (T>C on the coding strand, the complement: ABCA4 is on the minus strand). VCF-style: chr1-94121044-A-G. GRCh37 (hg19) VCF-style: chr1-94586600-A-G.
Other names: NP_000341.2:p.(Met1?); c.2T>C, p.Met1Thr (NM_001425324.1); short protein forms M1T.
Identifiers: ClinVar variation 2202817 (VCV002202817.6), dbSNP rs1662938116, ClinGen allele CA341289047.
Genomic context (GRCh38, chr1:94,121,044, plus strand): 5'-TGCCTTTTCCGCAGGGTCCAGTTCTTCCAGAGCAAAAGCTGTATCTGTCTCACGAAGCCC[A>G]TGCTAATGACCACACGAAGACCAGATTGGTCAGAGCTGAGGCCCCTCAGACAGCAAAGGA-3'
Protein context (NP_000341.2, residues 1-11): [Met1Thr]GFVRQIQLLL

ClinVar aggregate classification (germline): Pathogenic/Likely pathogenic. Review status: criteria provided, multiple submitters, no conflicts (2 of 4 stars). 2 submissions from 2 submitters: Pathogenic (1); Likely pathogenic (1). Last evaluated 2023-07-24.

Conditions:
Stargardt disease (FFM). Also called: Stargardt's disease; Fundus flavimaculatus. Identifiers: Orphanet 827, MedGen C0271093, MONDO:0019353.

Allele frequency attached by ClinVar (database versions not stated): gnomAD exomes below 0.00001.

Submissions (2):

Ophthalmic Genetics Group, Institute of Molecular and Clinical Ophthalmology Basel
Classification: Likely pathogenic for Stargardt disease. Last evaluated: 2023-07-24. Review status: criteria provided, single submitter. Criteria: ACMG Guidelines, 2015. Collection method: research. Allele origin: germline. Affected: yes. Observed: 1 variant allele.
Comment: Clinical significance based on ACMG v2.0

This variant was classified as Likely pathogenic based on ACMG criteria: PS1, PVS1, PM2, PP5.

Labcorp Genetics (formerly Invitae), Labcorp
Classification: Pathogenic. Last evaluated: 2022-06-29. Review status: criteria provided, single submitter. Criteria: Invitae Variant Classification Sherloc (09022015). Collection method: clinical testing. Allele origin: germline.
Comment: Disruption of the initiator codon has been observed in individuals with ABCA4-related conditions (PMID: 28118664, 29925512). This sequence change affects the initiator methionine of the ABCA4 mRNA. The next in-frame methionine is located at codon 61. This variant is not present in population databases (gnomAD no frequency). For these reasons, this variant has been classified as Pathogenic.

Literature cited by the submitters: PubMed 36909829 (cited by Ophthalmic Genetics Group, Institute of Molecular and Clinical Ophthalmology Basel); PubMed 28118664 (cited by Labcorp Genetics (formerly Invitae), Labcorp); PubMed 29925512 (cited by Labcorp Genetics (formerly Invitae), Labcorp).